The following is an entry in ClinVar:

ClinVar aggregate classification (germline): Uncertain significance (1 of 4 stars; one submission).

Allele frequency attached by ClinVar (database versions not stated): gnomAD exomes below 0.00001.
gnomAD v4.1: 1 of 1,592,990 alleles (0.000063%); highest among the groups gnomAD compares: East Asian, 0.0023%; no homozygotes.

Submission:

Labcorp Genetics (formerly Invitae), Labcorp
Classification: Uncertain significance. Last evaluated: 2024-05-15. Review status: criteria provided, single submitter. Criteria: Invitae Variant Classification Sherloc (09022015). Collection method: clinical testing. Allele origin: germline.
Comment: This sequence change replaces proline, which is neutral and non-polar, with arginine, which is basic and polar, at codon 1459 of the AHDC1 protein (p.Pro1459Arg). This variant is not present in population databases (gnomAD no frequency). This variant has not been reported in the literature in individuals affected with AHDC1-related conditions. An algorithm developed to predict the effect of missense changes on protein structure and function (PolyPhen-2) suggests that this variant is likely to be disruptive. In summary, the available evidence is currently insufficient to determine the role of this variant in disease. Therefore, it has been classified as a Variant of Uncertain Significance.

NM_001371928.1(AHDC1):c.4376C>G (p.Pro1459Arg)

Gene: AHDC1 (AT-hook DNA binding motif containing 1; minus strand). Cytogenetic location: 1p36.11.
Variant type: single nucleotide variant.
Coding change: c.4376C>G on transcript NM_001371928.1 (MANE Select); coding-DNA position 4376, C replaced by G.
Protein change: p.Pro1459Arg; replaces proline 1459 with arginine.
Molecular consequence: missense variant.
Genome position (GRCh38, 1-based): chr1:27,547,740, G>C on the plus strand (C>G on the coding strand, the complement: AHDC1 is on the minus strand). VCF-style: chr1-27547740-G-C. GRCh37 (hg19) VCF-style: chr1-27874251-G-C.
Other names: c.4376C>G, p.Pro1459Arg (NM_001029882.3); c.332C>G, p.Pro111Arg (NM_015699.1); short protein forms P111R, P1459R.
Identifiers: ClinVar variation 2747467 (VCV002747467.3), dbSNP rs2019251885, ClinGen allele CA339222401.